The following is an entry in ClinVar:

NM_020717.5(SHROOM4):c.2481C>T (p.Asp827=)

Gene: SHROOM4 (shroom family member 4; minus strand). Cytogenetic location: Xp11.22.
Variant type: single nucleotide variant.
Coding change: c.2481C>T on transcript NM_020717.5 (MANE Select); coding-DNA position 2481, C replaced by T.
Protein change: p.Asp827=; no amino-acid change (aspartic acid 827 retained).
Molecular consequence: synonymous variant. On other transcripts: non-coding transcript variant (4).
Genome position (GRCh38, 1-based): chrX:50,633,592, G>A on the plus strand (C>T on the coding strand, the complement: SHROOM4 is on the minus strand). VCF-style: chrX-50633592-G-A. GRCh37 (hg19) VCF-style: chrX-50376592-G-A.
Other names: c.2481C>T (NM_020717.3).
Identifiers: ClinVar variation 1299187 (VCV001299187.36), dbSNP rs200860508, ClinGen allele CA10416118.

ClinVar aggregate classification (germline): Likely benign. Review status: criteria provided, single submitter (1 of 4 stars). 2 submissions from 2 submitters: Likely benign (1). 1 of the submissions does not count toward it. Last evaluated 2022-11-01.

Conditions:
SHROOM4-related disorder. Also called: SHROOM4-related condition.

Allele frequency attached by ClinVar (database versions not stated): TOPMed 0.00025; ExAC 0.00032; gnomAD exomes 0.00035 and 0.00059; gnomAD 0.00036 and 0.00037.
gnomAD v4.1: 693 of 1,210,284 alleles (0.057%); highest among the groups gnomAD compares: Non-Finnish European, 0.067%; 1 homozygote.

Submissions (2):

CeGaT Center for Human Genetics Tuebingen
Classification: Likely benign. Last evaluated: 2022-11-01. Review status: criteria provided, single submitter. Criteria: CeGaT Center For Human Genetics Tuebingen Variant Classification Criteria Version 2. Collection method: clinical testing. Allele origin: germline. Affected: yes. Observed: 2 variant alleles.
Comment: SHROOM4: BP4, BS2

PreventionGenetics, part of Exact Sciences
Classification: Likely benign for SHROOM4-related condition. Last evaluated: 2019-03-29. Review status: no assertion criteria provided. Collection method: clinical testing. Allele origin: germline. Not counted in ClinVar's aggregate classification.
Comment: This variant is classified as likely benign based on ACMG/AMP sequence variant interpretation guidelines (Richards et al. 2015 PMID: 25741868, with internal and published modifications).